The following is an entry in ClinVar:

NM_018847.4(KLHL9):c.172G>A (p.Asp58Asn)

Gene: KLHL9 (kelch like family member 9; minus strand). Cytogenetic location: 9p21.3.
Variant type: single nucleotide variant.
Coding change: c.172G>A on transcript NM_018847.4 (MANE Select); coding-DNA position 172, G replaced by A.
Protein change: p.Asp58Asn; replaces aspartic acid 58 with asparagine.
Molecular consequence: missense variant.
Genome position (GRCh38, 1-based): chr9:21,334,688, C>T on the plus strand (G>A on the coding strand, the complement: KLHL9 is on the minus strand). VCF-style: chr9-21334688-C-T. GRCh37 (hg19) VCF-style: chr9-21334687-C-T.
Other names: short protein forms D58N.
Identifiers: ClinVar variation 4805606 (VCV004805606.1).
Genomic context (GRCh38, chr9:21,334,688, plus strand): 5'-TGAAATAATCACTAGCAGACGCCATCATAGCTCTGTGAACAGGGAAGATTTCATCTCCAT[C>T]ACCTGGTACCAGGGTCACATCACAAAGCAATCCTTCTATTCTAAGCTGATCAAAGCCTTG-3'
Protein context (NP_061335.1, residues 48-68): LLCDVTLVPG[Asp58Asn]GDEIFPVHRA

ClinVar aggregate classification (germline): Uncertain significance (1 of 4 stars; one submission).

gnomAD v4.1: 3 of 1,614,032 alleles (0.00019%); highest among the groups gnomAD compares: East Asian, 0.0045%; no homozygotes.

Submission:

Labcorp Genetics (formerly Invitae), Labcorp
Classification: Uncertain significance. Last evaluated: 2025-02-27. Review status: criteria provided, single submitter. Criteria: Invitae Variant Classification Sherloc (09022015). Collection method: clinical testing. Allele origin: germline.
Comment: This sequence change replaces aspartic acid, which is acidic and polar, with asparagine, which is neutral and polar, at codon 58 of the KLHL9 protein (p.Asp58Asn). This variant is not present in population databases (gnomAD no frequency). This variant has not been reported in the literature in individuals affected with KLHL9-related conditions. An algorithm developed to predict the effect of missense changes on protein structure and function (PolyPhen-2) suggests that this variant is likely to be disruptive. In summary, the available evidence is currently insufficient to determine the role of this variant in disease. Therefore, it has been classified as a Variant of Uncertain Significance.